The following is an entry in ClinVar:

NM_003036.4(SKI):c.547G>A (p.Glu183Lys)

Gene: SKI (SKI proto-oncogene; plus strand). Cytogenetic location: 1p36.33.
Variant type: single nucleotide variant.
Coding change: c.547G>A on transcript NM_003036.4 (MANE Select); coding-DNA position 547, G replaced by A.
Protein change: p.Glu183Lys; replaces glutamic acid 183 with lysine.
Molecular consequence: missense variant.
Genome position (GRCh38, 1-based): chr1:2,229,313, G>A. VCF-style: chr1-2229313-G-A. GRCh37 (hg19) VCF-style: chr1-2160752-G-A.
Other names: short protein forms E183K.
Identifiers: ClinVar variation 520166 (VCV000520166.15), dbSNP rs1290478159, ClinGen allele CA337953989.
Genomic context (GRCh38, chr1:2,229,313, plus strand): 5'-GTCATGGGCATCCTGCCCTTCTCGGCGCCCTCGTGCGGGCTCATCACCAAGACGGACGCC[G>A]AGCGCCTGTGCAACGCGCTGCTCTACGGCGGCGCCTACCCGCCGCCCTGCAAGAAGGAGC-3'
Protein context (NP_003027.1, residues 173-193): SCGLITKTDA[Glu183Lys]RLCNALLYGG

ClinVar aggregate classification (germline): Uncertain significance. Review status: criteria provided, multiple submitters, no conflicts (2 of 4 stars). 2 submissions from 2 submitters: Uncertain significance (2). Last evaluated 2022-12-14.

Conditions:
Familial thoracic aortic aneurysm and aortic dissection (TAAD). Also called: Thoracic aortic aneurysms and dissections. Identifiers: Orphanet 91387, MedGen C4707243, MONDO:0019625.
Shprintzen-Goldberg syndrome (SGS). Also called: CRANIOSYNOSTOSIS WITH ARACHNODACTYLY AND ABDOMINAL HERNIAS; Marfanoid disorder with craniosynostosis type 1; Marfanoid craniosynostosis syndrome; Shprintzen-Goldberg marfanoid syndrome; SHPRINTZEN-GOLDBERG CRANIOSYNOSTOSIS SYNDROME. Identifiers: Orphanet 2462, MedGen C1321551, MONDO:0008426, OMIM 182212.

gnomAD v4.1: 1 of 1,595,734 alleles (0.000063%); highest among the groups gnomAD compares: Non-Finnish European, 0.000085%; no homozygotes.

Submissions (2):

Ambry Genetics
Classification: Uncertain significance for Familial thoracic aortic aneurysm and aortic dissection. Last evaluated: 2022-12-14. Review status: criteria provided, single submitter. Criteria: Ambry Variant Classification Scheme 2023. Collection method: clinical testing. Allele origin: germline.
Comment: The p.E183K variant (also known as c.547G>A), located in coding exon 1 of the SKI gene, results from a G to A substitution at nucleotide position 547. The glutamic acid at codon 183 is replaced by lysine, an amino acid with similar properties. This amino acid position is highly conserved in available vertebrate species. In addition, this alteration is predicted to be deleterious by in silico analysis. Since supporting evidence is limited at this time, the clinical significance of this alteration remains unclear.

Labcorp Genetics (formerly Invitae), Labcorp
Classification: Uncertain significance for Shprintzen-Goldberg syndrome. Last evaluated: 2018-12-10. Review status: criteria provided, single submitter. Criteria: Invitae Variant Classification Sherloc (09022015). Collection method: clinical testing. Allele origin: germline.
Comment: This sequence change replaces glutamic acid with lysine at codon 183 of the SKI protein (p.Glu183Lys). The glutamic acid residue is highly conserved and there is a small physicochemical difference between glutamic acid and lysine. This variant is not present in population databases (ExAC no frequency). This variant has not been reported in the literature in individuals with SKI-related conditions. ClinVar contains an entry for this variant (Variation ID: 520166). Algorithms developed to predict the effect of missense changes on protein structure and function are either unavailable or do not agree on the potential impact of this missense change (SIFT: "Deleterious"; PolyPhen-2: "Probably Damaging"; Align-GVGD: "Class C0"). In summary, the available evidence is currently insufficient to determine the role of this variant in disease. Therefore, it has been classified as a Variant of Uncertain Significance.